The following is an entry in ClinVar:

NM_002473.6(MYH9):c.111C>G (p.Asp37Glu)

Gene: MYH9 (myosin heavy chain 9; minus strand). Cytogenetic location: 22q12.3.
Variant type: single nucleotide variant.
Coding change: c.111C>G on transcript NM_002473.6 (MANE Select); coding-DNA position 111, C replaced by G.
Protein change: p.Asp37Glu; replaces aspartic acid 37 with glutamic acid.
Molecular consequence: missense variant.
Genome position (GRCh38, 1-based): chr22:36,349,126, G>C on the plus strand (C>G on the coding strand, the complement: MYH9 is on the minus strand). VCF-style: chr22-36349126-G-C. GRCh37 (hg19) VCF-style: chr22-36745171-G-C.
Other names: short protein forms D37E.
Identifiers: ClinVar variation 3678191 (VCV003678191.2).

ClinVar aggregate classification (germline): Uncertain significance (1 of 4 stars; one submission).

gnomAD v4.1: 2 of 1,614,180 alleles (0.00012%); highest among the groups gnomAD compares: Admixed American, 0.0017%; no homozygotes.

Submission:

Labcorp Genetics (formerly Invitae), Labcorp
Classification: Uncertain significance. Last evaluated: 2024-12-29. Review status: criteria provided, single submitter. Criteria: Invitae Variant Classification Sherloc (09022015). Collection method: clinical testing. Allele origin: germline.
Comment: This sequence change replaces aspartic acid, which is acidic and polar, with glutamic acid, which is acidic and polar, at codon 37 of the MYH9 protein (p.Asp37Glu). This variant is not present in population databases (gnomAD no frequency). This variant has not been reported in the literature in individuals affected with MYH9-related conditions. Invitae Evidence Modeling of protein sequence and biophysical properties (such as structural, functional, and spatial information, amino acid conservation, physicochemical variation, residue mobility, and thermodynamic stability) indicates that this missense variant is not expected to disrupt MYH9 protein function with a negative predictive value of 95%. In summary, the available evidence is currently insufficient to determine the role of this variant in disease. Therefore, it has been classified as a Variant of Uncertain Significance.